The following is an entry in ClinVar:

NM_032119.4(ADGRV1):c.9623+8T>G

Gene: ADGRV1 (adhesion G protein-coupled receptor V1; plus strand). Cytogenetic location: 5q14.3.
Variant type: single nucleotide variant.
Coding change: c.9623+8T>G on transcript NM_032119.4 (MANE Select); 8 bases into the intron after coding-DNA position 9623, T replaced by G.
Molecular consequence: intron variant.
Genome position (GRCh38, 1-based): chr5:90,720,231, T>G. VCF-style: chr5-90720231-T-G. GRCh37 (hg19) VCF-style: chr5-90016048-T-G.
Identifiers: ClinVar variation 1651323 (VCV001651323.10), dbSNP rs2149767678, ClinGen allele CA2573140002.

ClinVar aggregate classification (germline): Conflicting classifications of pathogenicity. Review status: criteria provided, conflicting classifications (1 of 4 stars). 2 submissions from 2 submitters: Uncertain significance (1); Likely benign (1). Last evaluated 2025-10-14.

Submissions (2):

Dasa
Classification: Uncertain significance. Last evaluated: 2025-10-14. Review status: criteria provided, single submitter. Criteria: DASA Assertion Criteria. Collection method: clinical testing. Allele origin: germline.
Comment: NM_032119.4(ADGRV1):c.9623+8T>G is a splice-region variant. This variant is absent from population databases. Computational prediction algorithms are consistent with a benign effect. The currently available literature and clinical evidence are not sufficient to establish a definitive association between this variant and the reported condition. Therefore, this variant is classified as a variant of uncertain significance.

Labcorp Genetics (formerly Invitae), Labcorp
Classification: Likely benign. Last evaluated: 2022-09-07. Review status: criteria provided, single submitter. Criteria: Invitae Variant Classification Sherloc (09022015). Collection method: clinical testing. Allele origin: germline.